The following is an entry in ClinVar:

ClinVar aggregate classification (germline): Uncertain significance. Review status: criteria provided, multiple submitters, no conflicts (2 of 4 stars). 2 submissions from 2 submitters: Uncertain significance (2). Last evaluated 2023-11-15.

Conditions:
Cardiovascular phenotype. Identifiers: MedGen CN230736.

Allele frequency attached by ClinVar (database versions not stated): gnomAD exomes below 0.00001; ExAC 0.00001.

Submissions (2):

Labcorp Genetics (formerly Invitae), Labcorp
Classification: Uncertain significance. Last evaluated: 2023-11-15. Review status: criteria provided, single submitter. Criteria: Invitae Variant Classification Sherloc (09022015). Collection method: clinical testing. Allele origin: germline.
Comment: This sequence change replaces glutamine, which is neutral and polar, with arginine, which is basic and polar, at codon 174 of the APOA5 protein (p.Gln174Arg). The frequency data for this variant in the population databases is considered unreliable, as metrics indicate poor data quality at this position in the gnomAD database. This variant has not been reported in the literature in individuals affected with APOA5-related conditions. ClinVar contains an entry for this variant (Variation ID: 2567122). Algorithms developed to predict the effect of missense changes on protein structure and function output the following: SIFT: "Not Available"; PolyPhen-2: "Benign"; Align-GVGD: "Not Available". The arginine amino acid residue is found in multiple mammalian species, which suggests that this missense change does not adversely affect protein function. In summary, the available evidence is currently insufficient to determine the role of this variant in disease. Therefore, it has been classified as a Variant of Uncertain Significance.

Ambry Genetics
Classification: Uncertain significance for Cardiovascular phenotype. Last evaluated: 2023-06-05. Review status: criteria provided, single submitter. Criteria: Ambry Variant Classification Scheme 2023. Collection method: clinical testing. Allele origin: germline.
Comment: The p.Q174R variant (also known as c.521A>G), located in coding exon 3 of the APOA5 gene, results from an A to G substitution at nucleotide position 521. The glutamine at codon 174 is replaced by arginine, an amino acid with highly similar properties. This amino acid position is conserved. In addition, this alteration is predicted to be tolerated by in silico analysis. Since supporting evidence is limited at this time, the clinical significance of this alteration remains unclear.

NM_001371904.1(APOA5):c.521A>G (p.Gln174Arg)

Gene: APOA5 (apolipoprotein A5; minus strand). Cytogenetic location: 11q23.3.
Variant type: single nucleotide variant.
Coding change: c.521A>G on transcript NM_001371904.1 (MANE Select); coding-DNA position 521, A replaced by G.
Protein change: p.Gln174Arg; replaces glutamine 174 with arginine.
Molecular consequence: missense variant.
Genome position (GRCh38, 1-based): chr11:116,790,708, T>C on the plus strand (A>G on the coding strand, the complement: APOA5 is on the minus strand). VCF-style: chr11-116790708-T-C. GRCh37 (hg19) VCF-style: chr11-116661424-T-C.
Other names: c.521A>G, p.Gln174Arg (NM_001166598.2, NM_052968.5); short protein forms Q174R.
Identifiers: ClinVar variation 2567122 (VCV002567122.5), dbSNP rs747334731, ClinGen allele CA6289062.
Genomic context (GRCh38, chr11:116,790,708, plus strand): 5'-TATGGGTGGAAGAGCTCTTTGAAGCGGCCGGTGTGGTGCACCACGCGGCTCTGCAGTCCC[T>C]GCAGCAAAGCCCAAGCCTCGTCCACGCCCCCCAGCAACTGGGCCTTGGTGTCTTCCCCCA-3'
Protein context (NP_001358833.1, residues 164-184): GGVDEAWALL[Gln174Arg]GLQSRVVHHT